The following is an entry in ClinVar:

ClinVar aggregate classification (germline): Pathogenic (1 of 4 stars; one submission).

Conditions:
Cerebral cavernous malformation (CCM). Also called: Cerebral cavernous malformations; Cavernous Hemangioma of Brain; Cerebral cavernous hemangioma (type); CAVERNOUS ANGIOMA, FAMILIAL; CAVERNOUS ANGIOMATOUS MALFORMATIONS; CEREBRAL CAPILLARY MALFORMATIONS. Identifiers: Orphanet 221061, MedGen C2919945, MONDO:0000820, OMIM 116860, HP:0033522.

Submission:

Labcorp Genetics (formerly Invitae), Labcorp
Classification: Pathogenic for Cerebral cavernous malformation. Last evaluated: 2026-01-19. Review status: criteria provided, single submitter. Criteria: Invitae Variant Classification Sherloc (09022015). Collection method: clinical testing. Allele origin: germline.
Comment: This sequence change creates a premature translational stop signal (p.Leu351*) in the KRIT1 gene. It is expected to result in an absent or disrupted protein product. Loss-of-function variants in KRIT1 are known to be pathogenic (PMID: 10508515, 11222804, 12404106, 24689081). This variant is not present in population databases (gnomAD no frequency). This variant has not been reported in the literature in individuals affected with KRIT1-related conditions. For these reasons, this variant has been classified as Pathogenic.

Literature cited by the submitters: PubMed 10508515; PubMed 11222804; PubMed 12404106; PubMed 24689081.

NM_194454.3(KRIT1):c.1052T>G (p.Leu351Ter)

Gene: KRIT1 (KRIT1 ankyrin repeat containing; minus strand). Cytogenetic location: 7q21.2.
Variant type: single nucleotide variant.
Coding change: c.1052T>G on transcript NM_194454.3 (MANE Select); coding-DNA position 1052, T replaced by G.
Protein change: p.Leu351Ter; replaces leucine 351 with a stop codon.
Molecular consequence: nonsense.
Genome position (GRCh38, 1-based): chr7:92,226,620, A>C on the plus strand (T>G on the coding strand, the complement: KRIT1 is on the minus strand). VCF-style: chr7-92226620-A-C. GRCh37 (hg19) VCF-style: chr7-91855934-A-C.
Other names: c.1052T>G, p.Leu351Ter (NM_001350681.1, NM_001350682.1, NM_001350683.1 and 26 more transcripts); c.908T>G, p.Leu303Ter (NM_001013406.2, NM_001350669.1, NM_001350670.1); c.338T>G, p.Leu113Ter (NM_001350671.1); short protein forms L113*, L303*, L351*.
Identifiers: ClinVar variation 4735780 (VCV004735780.1).